The following is an entry in ClinVar:

ClinVar aggregate classification (germline): Uncertain significance (1 of 4 stars; one submission).

Conditions:
Oligodontia-cancer predisposition syndrome. Also called: TOOTH AGENESIS-COLORECTAL CANCER SYNDROME. Identifiers: Orphanet 300576, MedGen C1837750, MONDO:0012075, OMIM 608615. Disease mechanism: loss of function.

Submission:

Labcorp Genetics (formerly Invitae), Labcorp
Classification: Uncertain significance for Oligodontia-cancer predisposition syndrome. Last evaluated: 2023-11-27. Review status: criteria provided, single submitter. Criteria: Invitae Variant Classification Sherloc (09022015). Collection method: clinical testing. Allele origin: germline.
Comment: This sequence change replaces isoleucine, which is neutral and non-polar, with leucine, which is neutral and non-polar, at codon 166 of the AXIN2 protein (p.Ile166Leu). This variant is not present in population databases (gnomAD no frequency). This variant has not been reported in the literature in individuals affected with AXIN2-related conditions. ClinVar contains an entry for this variant (Variation ID: 844648). Advanced modeling of protein sequence and biophysical properties (such as structural, functional, and spatial information, amino acid conservation, physicochemical variation, residue mobility, and thermodynamic stability) performed at Invitae indicates that this missense variant is not expected to disrupt AXIN2 protein function with a negative predictive value of 80%. In summary, the available evidence is currently insufficient to determine the role of this variant in disease. Therefore, it has been classified as a Variant of Uncertain Significance.

NM_004655.4(AXIN2):c.496A>C (p.Ile166Leu)

Gene: AXIN2 (axin 2; minus strand). Cytogenetic location: 17q24.1.
Variant type: single nucleotide variant.
Coding change: c.496A>C on transcript NM_004655.4 (MANE Select); coding-DNA position 496, A replaced by C.
Protein change: p.Ile166Leu; replaces isoleucine 166 with leucine.
Molecular consequence: missense variant.
Genome position (GRCh38, 1-based): chr17:65,558,125, T>G on the plus strand (A>C on the coding strand, the complement: AXIN2 is on the minus strand). VCF-style: chr17-65558125-T-G. GRCh37 (hg19) VCF-style: chr17-63554243-T-G.
Other names: c.496A>C, p.Ile166Leu (NM_001363813.1); short protein forms I166L.
Identifiers: ClinVar variation 844648 (VCV000844648.7), dbSNP rs2044299900, ClinGen allele CA400681170.